The following is an entry in ClinVar:

NC_012920.1(MT-TQ):m.4373T>C

Gene: MT-TQ (mitochondrially encoded tRNA glutamine; minus strand).
Variant type: single nucleotide variant.
Genome position: chrM-4373-T-C.
Identifiers: ClinVar variation 689896 (VCV000689896.1), dbSNP rs1603219432, ClinGen allele CA913177908.

ClinVar aggregate classification (germline): Benign (1 of 4 stars; one submission).

Conditions:
MELAS syndrome (MELAS). Also called: Juvenile myopathy, encephalopathy, lactic acidosis, stroke. Identifiers: Orphanet 550, MedGen C0162671, MONDO:0010789, OMIM 540000.

Submission:

Wong Mito Lab, Molecular and Human Genetics, Baylor College of Medicine
Classification: Benign for MELAS syndrome. Last evaluated: 2019-07-12. Review status: criteria provided, single submitter. Criteria: Modified ACMG Guidelines (Unpublished). Collection method: clinical testing. Allele origin: germline.
Comment: The NC_012920.1:m.4373T>C variant in MT-TQ gene is interpreted to be a Benign variant based on the modified ACMG guidelines (unpublished). This variant meets the following evidence codes reported in the guidelines: BS1, BS4, BP4

Literature cited by the submitters: PubMed 31965079.